The following is an entry in ClinVar:

NM_022436.3(ABCG5):c.1712G>A (p.Cys571Tyr)

Genes: ABCG5 (ATP binding cassette subfamily G member 5; minus strand), DYNC2LI1 (dynein cytoplasmic 2 light intermediate chain 1; plus strand). Cytogenetic location: 2p21.
Variant type: single nucleotide variant.
Coding change: c.1712G>A on transcript NM_022436.3 (MANE Select); coding-DNA position 1712, G replaced by A.
Protein change: p.Cys571Tyr; replaces cysteine 571 with tyrosine.
Molecular consequence: missense variant. On other transcripts: intron variant (2).
Genome position (GRCh38, 1-based): chr2:43,814,527, C>T on the plus strand (G>A on the coding strand, the complement: ABCG5 is on the minus strand). VCF-style: chr2-43814527-C-T. GRCh37 (hg19) VCF-style: chr2-44041666-C-T.
Other names: c.*15+4003C>T (NM_001348913.2, NM_001348912.2); short protein forms C571Y.
Identifiers: ClinVar variation 4613321 (VCV004613321.1).

ClinVar aggregate classification (germline): Uncertain significance (1 of 4 stars; one submission).

Conditions:
Cardiovascular phenotype. Identifiers: MedGen CN230736.

Submission:

Ambry Genetics
Classification: Uncertain significance for Cardiovascular phenotype. Last evaluated: 2025-11-18. Review status: criteria provided, single submitter. Criteria: Ambry Variant Classification Scheme 2023. Collection method: clinical testing. Allele origin: germline.
Comment: The p.C571Y variant (also known as c.1712G>A), located in coding exon 12 of the ABCG5 gene, results from a G to A substitution at nucleotide position 1712. The cysteine at codon 571 is replaced by tyrosine, an amino acid with highly dissimilar properties. This amino acid position is conserved. In addition, this alteration is predicted to be tolerated by in silico analysis. Based on the available evidence, the clinical significance of this variant remains unclear.